The following is an entry in ClinVar:

ClinVar aggregate classification (germline): Uncertain significance (1 of 4 stars; one submission).

Conditions:
Leigh syndrome (NULS). Also called: Leigh's necrotizing encephalopathy; Leigh's disease; Leigh Syndrome (mtDNA deletion); Leigh Disease; Subacute necrotizing encephalopathy; Necrotizing encephalopathy infantile subacute of Leigh. Identifiers: Orphanet 506, MedGen C2931891, MONDO:0009723, OMIM 256000.

Submission:

Wong Mito Lab, Molecular and Human Genetics, Baylor College of Medicine
Classification: Uncertain significance for Leigh syndrome. Last evaluated: 2019-10-17. Review status: criteria provided, single submitter. Criteria: Modified ACMG Guidelines (Unpublished). Collection method: clinical testing. Allele origin: germline.
Comment: The NC_012920.1:m.7962T>C (YP_003024029.1:p.Leu126Ser) variant in MTCO2 gene is interpretated to be a Uncertain Significance variant based on the modified ACMG guidelines (unpublished). This variant meets the following evidence codes: BS4, PP6

NC_012920.1(MT-CO2):m.7962T>C

Gene: MT-CO2 (mitochondrially encoded cytochrome c oxidase II; plus strand).
Variant type: single nucleotide variant.
Genome position: chrM-7962-T-C.
Identifiers: ClinVar variation 692802 (VCV000692802.1), dbSNP rs1603221233, ClinGen allele CA414794429.